The following is an entry in ClinVar:

ClinVar aggregate classification (germline): Uncertain significance (1 of 4 stars; one submission).

Conditions:
Malignant hyperthermia, susceptibility to, 1 (MHS1). Also called: RYR1-Related Malignant Hyperthermia Susceptibility; Malignant hyperthermia suceptibility 1; Anesthesia related hyperthermia; Malignant hyperpyrexia; Fulminating hyperpyrexia; Pharmacogenic myopathy. Identifiers: Orphanet 423, MedGen C2930980, MONDO:0007783, OMIM 145600.

Submission:

Color Diagnostics, LLC DBA Color Health
Classification: Uncertain significance for Malignant hyperthermia, susceptibility to, 1. Last evaluated: 2025-08-26. Review status: criteria provided, single submitter. Criteria: ACMG Guidelines, 2015. Collection method: clinical testing. Allele origin: germline.
Comment: This variant causes an in-frame deletion of one amino acid in exon 98 of the RYR1 protein. To our knowledge, functional studies have not been reported for this variant. This variant has not been reported in individuals affected with RYR1-related disorders in the literature. This variant has not been identified in the general population by the Genome Aggregation Database (gnomAD). The available evidence is insufficient to determine the role of this variant in disease conclusively. Therefore, this variant is classified as a Variant of Uncertain Significance.

NM_000540.3(RYR1):c.14242_14244del (p.Thr4748del)

Gene: RYR1 (ryanodine receptor 1; plus strand). Cytogenetic location: 19q13.2.
Variant type: Deletion.
Coding change: c.14242_14244del on transcript NM_000540.3 (MANE Select); coding-DNA positions 14242 to 14244, 3 bases deleted (ACA; older notation c.14242_14244delACA).
Protein change: p.Thr4748del; deletes threonine 4748.
Genome position (GRCh38, 1-based): chr19:38,577,987-38,577,989, ACA deleted. VCF-style (leftmost placement, unchanged base first): chr19-38577986-CACA-C. GRCh37 (hg19) VCF-style: chr19-39068626-CACA-C.
Other names: c.14227_14229del, p.Thr4743del (NM_001042723.2); short protein forms T4743del, T4748del.
Identifiers: ClinVar variation 4757796 (VCV004757796.1).